The following is an entry in ClinVar:

NM_053025.4(MYLK):c.1078G>A (p.Gly360Ser)

Gene: MYLK (myosin light chain kinase; minus strand). Cytogenetic location: 3q21.1.
Variant type: single nucleotide variant.
Coding change: c.1078G>A on transcript NM_053025.4 (MANE Select); coding-DNA position 1078, G replaced by A.
Protein change: p.Gly360Ser; replaces glycine 360 with serine.
Molecular consequence: missense variant.
Genome position (GRCh38, 1-based): chr3:123,733,918, C>T on the plus strand (G>A on the coding strand, the complement: MYLK is on the minus strand). VCF-style: chr3-123733918-C-T. GRCh37 (hg19) VCF-style: chr3-123452765-C-T.
Other names: c.550G>A, p.Gly184Ser (NM_001321309.2); c.1078G>A, p.Gly360Ser (NM_053026.4, NM_053027.4, NM_053028.4); short protein forms G184S, G360S.
Identifiers: ClinVar variation 4115065 (VCV004115065.1).
Genomic context (GRCh38, chr3:123,733,918, plus strand): 5'-CTGGACGGGGAGGAGCTGGCCTCTTCCTCTCTTCTCCAGAAGGTGATAGGACCCCCAGGC[C>T]TGGTGCTCTTGGTTCCGGCTGAACTCTTGCGGCCTGCAGGGTGATGGAGCTGGAAGTCTT-3'
Protein context (NP_444253.3, residues 350-370): ARVQPEPRAP[Gly360Ser]LGVLSPSGEE

ClinVar aggregate classification (germline): Uncertain significance (1 of 4 stars; one submission).

Conditions:
Familial thoracic aortic aneurysm and aortic dissection (TAAD). Also called: Thoracic aortic aneurysms and dissections. Identifiers: Orphanet 91387, MedGen C4707243, MONDO:0019625.

Submission:

Ambry Genetics
Classification: Uncertain significance for Familial thoracic aortic aneurysm and aortic dissection. Last evaluated: 2025-08-28. Review status: criteria provided, single submitter. Criteria: Ambry Variant Classification Scheme 2023. Collection method: clinical testing. Allele origin: germline.
Comment: The p.G360S variant (also known as c.1078G>A), located in coding exon 7 of the MYLK gene, results from a G to A substitution at nucleotide position 1078. The glycine at codon 360 is replaced by serine, an amino acid with similar properties. This amino acid position is conserved. In addition, this alteration is predicted to be tolerated by in silico analysis. Based on the available evidence, the clinical significance of this variant remains unclear.